The following is an entry in ClinVar:

ClinVar aggregate classification (germline): Uncertain significance (1 of 4 stars; one submission).

Allele frequency attached by ClinVar (database versions not stated): TOPMed below 0.00001.

Submission:

Labcorp Genetics (formerly Invitae), Labcorp
Classification: Uncertain significance. Last evaluated: 2023-08-10. Review status: criteria provided, single submitter. Criteria: Invitae Variant Classification Sherloc (09022015). Collection method: clinical testing. Allele origin: germline.
Comment: In summary, the available evidence is currently insufficient to determine the role of this variant in disease. Therefore, it has been classified as a Variant of Uncertain Significance. Advanced modeling of protein sequence and biophysical properties (such as structural, functional, and spatial information, amino acid conservation, physicochemical variation, residue mobility, and thermodynamic stability) performed at Invitae indicates that this missense variant is not expected to disrupt SLC20A2 protein function. ClinVar contains an entry for this variant (Variation ID: 2110001). This variant has not been reported in the literature in individuals affected with SLC20A2-related conditions. This variant is not present in population databases (gnomAD no frequency). This sequence change replaces alanine, which is neutral and non-polar, with threonine, which is neutral and polar, at codon 266 of the SLC20A2 protein (p.Ala266Thr).

NM_001257180.2(SLC20A2):c.796G>A (p.Ala266Thr)

Gene: SLC20A2 (solute carrier family 20 member 2; minus strand). Cytogenetic location: 8p11.21.
Variant type: single nucleotide variant.
Coding change: c.796G>A on transcript NM_001257180.2 (MANE Select); coding-DNA position 796, G replaced by A.
Protein change: p.Ala266Thr; replaces alanine 266 with threonine.
Molecular consequence: missense variant.
Genome position (GRCh38, 1-based): chr8:42,439,588, C>T on the plus strand (G>A on the coding strand, the complement: SLC20A2 is on the minus strand). VCF-style: chr8-42439588-C-T. GRCh37 (hg19) VCF-style: chr8-42297106-C-T.
Other names: c.796G>A, p.Ala266Thr (NM_001257181.2, NM_006749.5); short protein forms A266T.
Identifiers: ClinVar variation 2110001 (VCV002110001.4), dbSNP rs1404821757, ClinGen allele CA371080918.